The following is an entry in ClinVar:

ClinVar aggregate classification (germline): Uncertain significance (1 of 4 stars; one submission).

Submission:

Ambry Genetics
Classification: Uncertain significance. Last evaluated: 2022-04-08. Review status: criteria provided, single submitter. Criteria: Ambry Variant Classification Scheme 2023. Collection method: clinical testing. Allele origin: germline.
Comment: The p.P656R variant (also known as c.1967C>G), located in coding exon 13 of the POLQ gene, results from a C to G substitution at nucleotide position 1967. The proline at codon 656 is replaced by arginine, an amino acid with dissimilar properties. This amino acid position is conserved. In addition, this alteration is predicted to be deleterious by in silico analysis. Since supporting evidence is limited at this time, the clinical significance of this alteration remains unclear.

NM_199420.4(POLQ):c.1967C>G (p.Pro656Arg)

Gene: POLQ (DNA polymerase theta; minus strand). Cytogenetic location: 3q13.33.
Variant type: single nucleotide variant.
Coding change: c.1967C>G on transcript NM_199420.4 (MANE Select); coding-DNA position 1967, C replaced by G.
Protein change: p.Pro656Arg; replaces proline 656 with arginine.
Molecular consequence: missense variant.
Genome position (GRCh38, 1-based): chr3:121,498,663, G>C on the plus strand (C>G on the coding strand, the complement: POLQ is on the minus strand). VCF-style: chr3-121498663-G-C. GRCh37 (hg19) VCF-style: chr3-121217510-G-C.
Other names: short protein forms P656R.
Identifiers: ClinVar variation 1783541 (VCV001783541.2), dbSNP rs1229677268, ClinGen allele CA354111111.